The following is an entry in ClinVar:

ClinVar aggregate classification (germline): Uncertain significance. Review status: criteria provided, multiple submitters, no conflicts (2 of 4 stars). 2 submissions from 2 submitters: Uncertain significance (2). Last evaluated 2021-01-28.

Conditions:
Charcot-Marie-Tooth disease axonal type 2L. Also called: Charcot-Marie-Tooth Neuropathy Type 2L; CHARCOT-MARIE-TOOTH NEUROPATHY, AXONAL, TYPE 2L; CHARCOT-MARIE-TOOTH DISEASE, AXONAL, AUTOSOMAL DOMINANT, TYPE 2L. Identifiers: Orphanet 99945, MedGen C1837552, MONDO:0012096, OMIM 608673.

Submissions (2):

GeneDx
Classification: Uncertain significance. Last evaluated: 2021-01-28. Review status: criteria provided, single submitter. Criteria: GeneDx Variant Classification Process June 2021. Collection method: clinical testing. Allele origin: germline. Affected: yes.
Comment: Not observed in large population cohorts (Lek et al., 2016); In silico analysis supports that this missense variant does not alter protein structure/function; Has not been previously published as pathogenic or benign to our knowledge

Labcorp Genetics (formerly Invitae), Labcorp
Classification: Uncertain significance for Charcot-Marie-Tooth disease axonal type 2L. Last evaluated: 2019-08-06. Review status: criteria provided, single submitter. Criteria: Invitae Variant Classification Sherloc (09022015). Collection method: clinical testing. Allele origin: germline.
Comment: In summary, the available evidence is currently insufficient to determine the role of this variant in disease. Therefore, it has been classified as a Variant of Uncertain Significance. Algorithms developed to predict the effect of missense changes on protein structure and function are either unavailable or do not agree on the potential impact of this missense change (SIFT: "Tolerated"; PolyPhen-2: "Possibly Damaging"; Align-GVGD: "Class C0"). This variant has not been reported in the literature in individuals with HSPB8-related conditions. This variant is not present in population databases (ExAC no frequency). This sequence change replaces alanine with aspartic acid at codon 46 of the HSPB8 protein (p.Ala46Asp). The alanine residue is moderately conserved and there is a moderate physicochemical difference between alanine and aspartic acid.

NM_014365.3(HSPB8):c.137C>A (p.Ala46Asp)

Gene: HSPB8 (heat shock protein family B (small) member 8; plus strand). Cytogenetic location: 12q24.23.
Variant type: single nucleotide variant.
Coding change: c.137C>A on transcript NM_014365.3 (MANE Select); coding-DNA position 137, C replaced by A.
Protein change: p.Ala46Asp; replaces alanine 46 with aspartic acid.
Molecular consequence: missense variant.
Genome position (GRCh38, 1-based): chr12:119,179,449, C>A. VCF-style: chr12-119179449-C-A. GRCh37 (hg19) VCF-style: chr12-119617254-C-A.
Other names: short protein forms A46D.
Identifiers: ClinVar variation 957888 (VCV000957888.11), dbSNP rs1954622275, ClinGen allele CA386524470.